The following is an entry in ClinVar:

ClinVar aggregate classification (germline): Uncertain significance (1 of 4 stars; one submission).

Conditions:
Fanconi anemia (FA). Also called: Fanconi's anemia. Identifiers: Orphanet 84, MedGen C0015625, MeSH D005199, MONDO:0019391.

Allele frequency attached by ClinVar (database versions not stated): gnomAD exomes below 0.00001.
gnomAD v4.1: 2 of 1,613,638 alleles (0.00012%); no homozygotes.

Submission:

Labcorp Genetics (formerly Invitae), Labcorp
Classification: Uncertain significance for Fanconi anemia. Last evaluated: 2019-06-18. Review status: criteria provided, single submitter. Criteria: Invitae Variant Classification Sherloc (09022015). Collection method: clinical testing. Allele origin: germline.
Comment: This sequence change replaces asparagine with lysine at codon 64 of the FANCF protein (p.Asn64Lys). The asparagine residue is weakly conserved and there is a moderate physicochemical difference between asparagine and lysine. This variant is not present in population databases (ExAC no frequency). This variant has not been reported in the literature in individuals with FANCF-related conditions. Algorithms developed to predict the effect of missense changes on protein structure and function output the following: SIFT: "Tolerated"; PolyPhen-2: "Benign"; Align-GVGD: "Class C0". The lysine amino acid residue is found in multiple mammalian species, suggesting that this missense change does not adversely affect protein function. These predictions have not been confirmed by published functional studies and their clinical significance is uncertain. In summary, the available evidence is currently insufficient to determine the role of this variant in disease. Therefore, it has been classified as a Variant of Uncertain Significance.

NM_022725.4(FANCF):c.192C>A (p.Asn64Lys)

Gene: FANCF (FA complementation group F; minus strand). Cytogenetic location: 11p14.3.
Variant type: single nucleotide variant.
Coding change: c.192C>A on transcript NM_022725.4 (MANE Select); coding-DNA position 192, C replaced by A.
Protein change: p.Asn64Lys; replaces asparagine 64 with lysine.
Molecular consequence: missense variant.
Genome position (GRCh38, 1-based): chr11:22,625,619, G>T on the plus strand (C>A on the coding strand, the complement: FANCF is on the minus strand). VCF-style: chr11-22625619-G-T. GRCh37 (hg19) VCF-style: chr11-22647165-G-T.
Other names: short protein forms N64K.
Identifiers: ClinVar variation 951932 (VCV000951932.9), dbSNP rs1413335884, ClinGen allele CA380059530.